The following is an entry in ClinVar:

ClinVar aggregate classification (germline): Uncertain significance. Review status: criteria provided, multiple submitters, no conflicts (2 of 4 stars). 3 submissions from 3 submitters: Uncertain significance (3). Last evaluated 2026-04-15.

Conditions:
Epilepsy, X-linked 1, with variable learning disabilities and behavior disorders. Also called: X-linked epilepsy-learning disabilities-behavior disorders syndrome. Identifiers: Orphanet 85294, MedGen C5774177, MONDO:0010339, OMIM 300491.
Intellectual developmental disorder, X-linked 50. Also called: Intellectual disability, X-linked 50; MRX50. Identifiers: Orphanet 777, MedGen C1848087, MONDO:0010251, OMIM 300115.

Allele frequency attached by ClinVar (database versions not stated): ExAC below 0.00001; gnomAD exomes below 0.00001; TOPMed 0.00001.
gnomAD v4.1: 1 of 1,144,627 alleles (0.000087%); highest among the groups gnomAD compares: Admixed American, 0.0027%; no homozygotes.

Submissions (3):

GeneDx
Classification: Uncertain significance. Last evaluated: 2026-04-15. Review status: criteria provided, single submitter. Criteria: GeneDx Variant Classification Process June 2021. Collection method: clinical testing. Allele origin: germline.
Comment: Has not been previously published as pathogenic or benign to our knowledge; Not observed at significant frequency in large population cohorts (gnomAD); In silico analysis supports that this missense variant has a deleterious effect on protein structure/function

Labcorp Genetics (formerly Invitae), Labcorp
Classification: Uncertain significance for Epilepsy, X-linked 1, with variable learning disabilities and behavior disorders. Last evaluated: 2025-05-05. Review status: criteria provided, single submitter. Criteria: Invitae Variant Classification Sherloc (09022015). Collection method: clinical testing. Allele origin: germline.
Comment: This sequence change replaces proline, which is neutral and non-polar, with serine, which is neutral and polar, at codon 658 of the SYN1 protein (p.Pro658Ser). The frequency data for this variant in the population databases is considered unreliable, as metrics indicate poor data quality at this position in the gnomAD database. This missense change has been observed in individual(s) with clinical features of SYN1-related conditions (internal data). ClinVar contains an entry for this variant (Variation ID: 954219). Experimental studies and prediction algorithms are not available or were not evaluated, and the functional significance of this variant is currently unknown. In summary, the available evidence is currently insufficient to determine the role of this variant in disease. Therefore, it has been classified as a Variant of Uncertain Significance.

Center for Genomics, Ann and Robert H. Lurie Children's Hospital of Chicago
Classification: Uncertain significance for Epilepsy, X-linked 1, with variable learning disabilities and behavior disorders; Intellectual developmental disorder, X-linked 50. Last evaluated: 2022-10-07. Review status: criteria provided, single submitter. Criteria: ACMG Guidelines, 2015. Collection method: clinical testing. Allele origin: germline.
Comment: This variant has not been reported in the literature and is not present in large control databases. This variant is present in ClinVar (Variation ID:954219). Evolutionary conservation and computational predictive tools suggest that this variant may not impact the protein. In summary, data on this variant is insufficient for disease classification. Therefore, the clinical significance of this variant is uncertain.

NM_006950.3(SYN1):c.1972C>T (p.Pro658Ser)

Gene: SYN1 (synapsin I; minus strand). Cytogenetic location: Xp11.3.
Variant type: single nucleotide variant.
Coding change: c.1972C>T on transcript NM_006950.3 (MANE Select); coding-DNA position 1972, C replaced by T.
Protein change: p.Pro658Ser; replaces proline 658 with serine.
Molecular consequence: missense variant.
Genome position (GRCh38, 1-based): chrX:47,574,012, G>A on the plus strand (C>T on the coding strand, the complement: SYN1 is on the minus strand). VCF-style: chrX-47574012-G-A. GRCh37 (hg19) VCF-style: chrX-47433411-G-A.
Other names: c.1972C>T, p.Pro658Ser (NM_133499.2); short protein forms P658S.
Identifiers: ClinVar variation 954219 (VCV000954219.11), dbSNP rs755832757, ClinGen allele CA10398340.
Genomic context (GRCh38, chrX:47,574,012, plus strand): 5'-GGCCCGCTTTGTGAGCAGCAAGGCGAAGGCTGCTGTAGGGGTCCCCTTACTTGAGCTGGG[G>A]GTGCGGAGGTCCCCCTGCAGCGGCGGTGGCGGGTGGCGGCACGTCCTGGCTGGGTTTCTG-3'
Protein context (NP_008881.2, residues 648-668): ATAAAGGPPH[Pro658Ser]QLNKSQSLTN